The following is an entry in ClinVar:

NM_001457.4(FLNB):c.5573T>C (p.Ile1858Thr)

Gene: FLNB (filamin B; plus strand). Cytogenetic location: 3p14.3.
Variant type: single nucleotide variant.
Coding change: c.5573T>C on transcript NM_001457.4 (MANE Select); coding-DNA position 5573, T replaced by C.
Protein change: p.Ile1858Thr; replaces isoleucine 1858 with threonine.
Molecular consequence: missense variant.
Genome position (GRCh38, 1-based): chr3:58,146,838, T>C. VCF-style: chr3-58146838-T-C. GRCh37 (hg19) VCF-style: chr3-58132565-T-C.
Other names: c.5666T>C, p.Ile1889Thr (NM_001164317.2); c.5540T>C, p.Ile1847Thr (NM_001164318.2); c.5501T>C, p.Ile1834Thr (NM_001164319.2); short protein forms I1847T, I1858T, I1834T, I1889T.
Identifiers: ClinVar variation 5006685 (VCV005006685.2).
Genomic context (GRCh38, chr3:58,146,838, plus strand): 5'-ACTCTCTCCCTAACACCCCTGCATCCCTGTTCCCACTTGTAGGTGGTCTGGACTTGGCTA[T>C]TGAGGGCCCCTCAAAAGCAGAAATCAGCTGCATTGACAATAAAGATGGGACATGCACAGT-3'
Protein context (NP_001448.2, residues 1848-1868): DAGEGGLDLA[Ile1858Thr]EGPSKAEISC

ClinVar aggregate classification (germline): Uncertain significance (1 of 4 stars; one submission).

Conditions:
Spondylocarpotarsal synostosis syndrome (SCT). Also called: SPONDYLOCARPOTARSAL SYNDROME; VERTEBRAL FUSION WITH CARPAL COALITION; Spondylocarpotarsal Synostosis Syndrome (FLNB-SCT); Synspondylism congenital; Scoliosis, congenital with unilateral unsegmented bar. Identifiers: Orphanet 3275, MedGen C1848934, MONDO:0010094, OMIM 272460.
Boomerang dysplasia. Identifiers: Orphanet 1263, MedGen C0432201, MONDO:0007208, OMIM 112310.
Atelosteogenesis type I. Also called: SPONDYLOHUMEROFEMORAL HYPOPLASIA; GIANT CELL CHONDRODYSPLASIA; Atelosteogenesis Type 1 (FLNB-AO1). Identifiers: Orphanet 1190, MedGen C0265283, MONDO:0007167, OMIM 108720.
Atelosteogenesis type III. Also called: Atelosteogenesis Type 3 (FLNB-AO3). Identifiers: Orphanet 56305, MedGen C3668942, MONDO:0007168, OMIM 108721.
Larsen syndrome (LRS). Also called: Larsen syndrome (FLNB-LS); Bilateral dislocation of the knees, pes cavus, cylindrically shaped fingers and characteristic facies. Identifiers: Orphanet 503, MedGen C0175778, MONDO:0007875, OMIM 150250. Disease mechanism: loss of function.

gnomAD v4.1: 2 of 1,614,226 alleles (0.00012%); highest among the groups gnomAD compares: Non-Finnish European, 0.000085%; no homozygotes.

Submission:

Juno Genomics, Hangzhou Juno Genomics, Inc
Classification: Uncertain significance for Atelosteogenesis type I; Atelosteogenesis type III; Boomerang dysplasia; Larsen syndrome; Spondylocarpotarsal synostosis syndrome. Review status: criteria provided, single submitter. Criteria: ACMG Guidelines, 2015. Collection method: clinical testing. Allele origin: germline.
Comment: Absent from controls (or at extremely low frequency if recessive) in Genome Aggregation Database.;Multiple lines of computational evidence support a deleterious effect on the gene or gene product.